The following is an entry in ClinVar:

ClinVar aggregate classification (germline): Benign/Likely benign. Review status: criteria provided, multiple submitters, no conflicts (2 of 4 stars). 3 submissions from 3 submitters: Benign (1); Likely benign (2). Last evaluated 2025-02-28.

Conditions:
Hereditary cancer-predisposing syndrome. Also called: Tumor predisposition; Hereditary neoplastic syndrome; Neoplastic Syndromes, Hereditary; Hereditary Cancer Syndrome. Identifiers: Orphanet 140162, MedGen C0027672, MeSH D009386, MONDO:0015356.
Pheochromocytoma/paraganglioma syndrome 5. Also called: Paragangliomas 5; SDHA-Related Hereditary Paraganglioma-Pheochromocytoma Syndrome. Identifiers: Orphanet 29072, MedGen C3279992, MONDO:0013602, OMIM 614165.
Mitochondrial complex II deficiency, nuclear type 1. Also called: SUCCINATE CoQ REDUCTASE DEFICIENCY. Identifiers: Orphanet 3208, MedGen C5700310, MONDO:0100294, OMIM 252011.

Allele frequency attached by ClinVar (database versions not stated): gnomAD exomes below 0.00001.
gnomAD v4.1: 4 of 1,613,680 alleles (0.00025%); highest among the groups gnomAD compares: Non-Finnish European, 0.00034%; no homozygotes.

Submissions (3):

Myriad Genetics, Inc.
Classification: Benign for Pheochromocytoma/paraganglioma syndrome 5. Last evaluated: 2025-02-28. Review status: criteria provided, single submitter. Criteria: Myriad Autosomal Dominant, Autosomal Recessive and X-Linked Classification Criteria (2023). Collection method: clinical testing. Allele origin: unknown.
Comment: This variant is considered benign. This variant is a silent/synonymous amino acid change and it is not expected to impact splicing.

Labcorp Genetics (formerly Invitae), Labcorp
Classification: Likely benign for Pheochromocytoma/paraganglioma syndrome 5; Mitochondrial complex II deficiency, nuclear type 1. Last evaluated: 2024-06-21. Review status: criteria provided, single submitter. Criteria: Invitae Variant Classification Sherloc (09022015). Collection method: clinical testing. Allele origin: germline.

Ambry Genetics
Classification: Likely benign for Hereditary cancer-predisposing syndrome. Last evaluated: 2018-06-05. Review status: criteria provided, single submitter. Criteria: Ambry Variant Classification Scheme 2023. Collection method: clinical testing. Allele origin: germline.

NM_004168.4(SDHA):c.120C>T (p.Asn40=)

Gene: SDHA (succinate dehydrogenase complex flavoprotein subunit A; plus strand). Cytogenetic location: 5p15.33.
Variant type: single nucleotide variant.
Coding change: c.120C>T on transcript NM_004168.4 (MANE Select); coding-DNA position 120, C replaced by T.
Protein change: p.Asn40=; no amino-acid change (asparagine 40 retained).
Molecular consequence: synonymous variant.
Genome position (GRCh38, 1-based): chr5:223,538, C>T. VCF-style: chr5-223538-C-T. GRCh37 (hg19) VCF-style: chr5-223653-C-T.
Other names: c.120C>T, p.Asn40= (NM_001294332.2, NM_001330758.2).
Identifiers: ClinVar variation 818602 (VCV000818602.14), dbSNP rs1579379803, ClinGen allele CA442689940.